The following is an entry in ClinVar:

ClinVar aggregate classification (germline): Benign. Review status: criteria provided, multiple submitters, no conflicts (2 of 4 stars). 3 submissions from 3 submitters: Benign (3). Last evaluated 2018-01-13.

Conditions:
Multiple acyl-CoA dehydrogenase deficiency (MADD). Also called: ETHYLMALONIC-ADIPICACIDURIA; GA II; Glutaric aciduria, type 2; Glutaric acidemia type II; GA 2; Glutaric Acidemia type 2. Identifiers: Orphanet 26791, MedGen C0268596, MONDO:0009282, OMIM 231680.

Allele frequency attached by ClinVar (database versions not stated): TOPMed 0.20280; gnomAD 0.21115 and 0.21273; gnomAD exomes 0.24806; 1000 Genomes Project 30x 0.17958; 1000 Genomes Project 0.18131.
gnomAD v4.1: 179,618 of 747,992 alleles (24%); highest among the groups gnomAD compares: South Asian, 28%; 22,948 homozygotes.

Submissions (3):

Illumina Laboratory Services, Illumina
Classification: Benign for Multiple acyl-CoA dehydrogenase deficiency. Last evaluated: 2018-01-13. Review status: criteria provided, single submitter. Criteria: ICSL Variant Classification Criteria 13 December 2019. Collection method: clinical testing. Allele origin: germline.
Comment: This variant was observed in the ICSL laboratory as part of a predisposition screen in an ostensibly healthy population. It had not been previously curated by ICSL or reported in the Human Gene Mutation Database (HGMD: prior to June 1st, 2018), and was therefore a candidate for classification through an automated scoring system. Utilizing variant allele frequency, disease prevalence and penetrance estimates, and inheritance mode, an automated score was calculated to assess if this variant is too frequent to cause the disease. Based on the score and internal cut-off values, a variant classified as benign is not then subjected to further curation. The score for this variant resulted in a classification of benign for this disease.

GeneDx
Classification: Benign. Last evaluated: 2015-03-03. Review status: criteria provided, single submitter. Criteria: GeneDx Variant Classification Process June 2021. Collection method: clinical testing. Allele origin: germline. Affected: yes.

Breakthrough Genomics
Classification: Benign. Review status: criteria provided, single submitter. Criteria: ACMG Guidelines, 2015. Collection method: not provided. Allele origin: germline. Inheritance: Autosomal recessive inheritance. Affected: yes.

NM_004453.4(ETFDH):c.*135A>C

Gene: ETFDH (electron transfer flavoprotein dehydrogenase; plus strand). Cytogenetic location: 4q32.1.
Variant type: single nucleotide variant.
Coding change: c.*135A>C on transcript NM_004453.4 (MANE Select); 135 bases downstream of the stop codon, A replaced by C.
Molecular consequence: 3 prime UTR variant.
Genome position (GRCh38, 1-based): chr4:158,708,662, A>C. VCF-style: chr4-158708662-A-C. GRCh37 (hg19) VCF-style: chr4-159629814-A-C.
Other names: c.*135A>C (NM_001281737.2, NM_001281738.1).
Identifiers: ClinVar variation 347961 (VCV000347961.7), dbSNP rs17843966, ClinGen allele CA10620396.